The following is an entry in ClinVar:

ClinVar aggregate classification (germline): Pathogenic (1 of 4 stars; one submission).

Submission:

Labcorp Genetics (formerly Invitae), Labcorp
Classification: Pathogenic. Last evaluated: 2021-08-26. Review status: criteria provided, single submitter. Criteria: Invitae Variant Classification Sherloc (09022015). Collection method: clinical testing. Allele origin: germline.
Comment: This variant has not been reported in the literature in individuals affected with PCLO-related conditions. This variant is not present in population databases (ExAC no frequency). This sequence change creates a premature translational stop signal (p.Arg3050*) in the PCLO gene. It is expected to result in an absent or disrupted protein product. Loss-of-function variants in PCLO are known to be pathogenic (PMID: 25832664, 30287594). For these reasons, this variant has been classified as Pathogenic.

Literature cited by the submitters: PubMed 25832664; PubMed 30287594.

NM_033026.6(PCLO):c.9148C>T (p.Arg3050Ter)

Gene: PCLO (piccolo presynaptic cytomatrix protein; minus strand). Cytogenetic location: 7q21.11.
Variant type: single nucleotide variant.
Coding change: c.9148C>T on transcript NM_033026.6 (MANE Select); coding-DNA position 9148, C replaced by T.
Protein change: p.Arg3050Ter; replaces arginine 3050 with a stop codon.
Molecular consequence: nonsense.
Genome position (GRCh38, 1-based): chr7:82,951,440, G>A on the plus strand (C>T on the coding strand, the complement: PCLO is on the minus strand). VCF-style: chr7-82951440-G-A. GRCh37 (hg19) VCF-style: chr7-82580756-G-A.
Other names: c.9148C>T, p.Arg3050Ter (NM_014510.3); short protein forms R3050*.
Identifiers: ClinVar variation 1403391 (VCV001403391.6), dbSNP rs1408845429, ClinGen allele CA367909101.
Genomic context (GRCh38, chr7:82,951,440, plus strand): 5'-GTGTCATTCTTGCTGTGGAATACTGTGGGGTACTAATCCCAGCTCCTGAAATGACTTGTC[G>A]TGTTTCTGGATATGGACCTGTAGTCTTGCTTGAATAATCCATTACCTCACCTGAAATACA-3'